The following is an entry in ClinVar:

NM_018076.5(ODAD2):c.769G>A (p.Gly257Ser)

Gene: ODAD2 (outer dynein arm docking complex subunit 2; minus strand). Cytogenetic location: 10p12.1.
Variant type: single nucleotide variant.
Coding change: c.769G>A on transcript NM_018076.5 (MANE Select); coding-DNA position 769, G replaced by A.
Protein change: p.Gly257Ser; replaces glycine 257 with serine.
Molecular consequence: missense variant.
Genome position (GRCh38, 1-based): chr10:27,983,893, C>T on the plus strand (G>A on the coding strand, the complement: ODAD2 is on the minus strand). VCF-style: chr10-27983893-C-T. GRCh37 (hg19) VCF-style: chr10-28272822-C-T.
Other names: c.769G>A, p.Gly257Ser (NM_001290020.2); c.769G>A (NM_018076.2); short protein forms G257S.
Identifiers: ClinVar variation 2047846 (VCV002047846.5), dbSNP rs1263657969, ClinGen allele CA376395912.
Genomic context (GRCh38, chr10:27,983,893, plus strand): 5'-ATTTACTTACACCATTTAAAAATACTCCTCCTGCACTGCAAGTAATGCACAGAGTCTCAC[C>T]ATCGTGAGGTTTCACCAGCACATAACAAATTTCCCCACGAATTTGTCTCCACGGTGGGGC-3'
Protein context (NP_060546.2, residues 247-267): ICYVLVKPHD[Gly257Ser]ETLCITCSAG

ClinVar aggregate classification (germline): Uncertain significance. Review status: criteria provided, multiple submitters, no conflicts (2 of 4 stars). 2 submissions from 2 submitters: Uncertain significance (2). Last evaluated 2024-09-03.

Conditions:
Primary ciliary dyskinesia 23 (CILD23). Also called: CILIARY DYSKINESIA, PRIMARY, 23, WITH OR WITHOUT SITUS INVERSUS. Identifiers: Orphanet 244, MedGen C3809548, MONDO:0014193, OMIM 615451.
Primary ciliary dyskinesia. Also called: Ciliary dyskinesia. Identifiers: Orphanet 244, MedGen C0008780, MONDO:0016575, HP:0012265.

Allele frequency attached by ClinVar (database versions not stated): gnomAD exomes below 0.00001; gnomAD 0.00001; TOPMed 0.00001.

Submissions (2):

Ambry Genetics
Classification: Uncertain significance for Primary ciliary dyskinesia. Last evaluated: 2024-09-03. Review status: criteria provided, single submitter. Criteria: Ambry Variant Classification Scheme 2023. Collection method: clinical testing. Allele origin: germline.

Labcorp Genetics (formerly Invitae), Labcorp
Classification: Uncertain significance for Primary ciliary dyskinesia 23. Last evaluated: 2024-04-15. Review status: criteria provided, single submitter. Criteria: Invitae Variant Classification Sherloc (09022015). Collection method: clinical testing. Allele origin: germline.
Comment: This sequence change replaces glycine, which is neutral and non-polar, with serine, which is neutral and polar, at codon 257 of the ARMC4 protein (p.Gly257Ser). This variant is present in population databases (no rsID available, gnomAD 0.01%). This variant has not been reported in the literature in individuals affected with ARMC4-related conditions. ClinVar contains an entry for this variant (Variation ID: 2047846). Algorithms developed to predict the effect of missense changes on protein structure and function output the following: SIFT: "Not Available"; PolyPhen-2: "Benign"; Align-GVGD: "Not Available". The serine amino acid residue is found in multiple mammalian species, which suggests that this missense change does not adversely affect protein function. In summary, the available evidence is currently insufficient to determine the role of this variant in disease. Therefore, it has been classified as a Variant of Uncertain Significance.